The following is an entry in ClinVar:

NM_022765.4(MICAL1):c.1201C>T (p.Pro401Ser)

Gene: MICAL1 (microtubule associated monooxygenase, calponin and LIM domain containing 1; minus strand). Cytogenetic location: 6q21.
Variant type: single nucleotide variant.
Coding change: c.1201C>T on transcript NM_022765.4 (MANE Select); coding-DNA position 1201, C replaced by T.
Protein change: p.Pro401Ser; replaces proline 401 with serine.
Molecular consequence: missense variant.
Genome position (GRCh38, 1-based): chr6:109,450,076, G>A on the plus strand (C>T on the coding strand, the complement: MICAL1 is on the minus strand). VCF-style: chr6-109450076-G-A. GRCh37 (hg19) VCF-style: chr6-109771279-G-A.
Other names: c.943C>T, p.Pro315Ser (NM_001159291.2); c.1258C>T, p.Pro420Ser (NM_001286613.2); short protein forms P315S, P401S, P420S.
Identifiers: ClinVar variation 4777988 (VCV004777988.1).

ClinVar aggregate classification (germline): Uncertain significance (1 of 4 stars; one submission).

gnomAD v4.1: 10 of 1,613,670 alleles (0.00062%); highest among the groups gnomAD compares: Non-Finnish European, 0.000085%; no homozygotes.

Submission:

Labcorp Genetics (formerly Invitae), Labcorp
Classification: Uncertain significance. Last evaluated: 2025-07-08. Review status: criteria provided, single submitter. Criteria: Invitae Variant Classification Sherloc (09022015). Collection method: clinical testing. Allele origin: germline.
Comment: This sequence change replaces proline, which is neutral and non-polar, with serine, which is neutral and polar, at codon 420 of the MICAL1 protein (p.Pro420Ser). This variant is present in population databases (rs746569093, gnomAD 0.0009%). This variant has not been reported in the literature in individuals affected with MICAL1-related conditions. An algorithm developed to predict the effect of missense changes on protein structure and function (PolyPhen-2) suggests that this variant is likely to be disruptive. In summary, the available evidence is currently insufficient to determine the role of this variant in disease. Therefore, it has been classified as a Variant of Uncertain Significance.